The following is an entry in ClinVar:

NM_006922.4(SCN3A):c.3335T>C (p.Phe1112Ser)

Gene: SCN3A (sodium voltage-gated channel alpha subunit 3; minus strand). Cytogenetic location: 2q24.3.
Variant type: single nucleotide variant.
Coding change: c.3335T>C on transcript NM_006922.4 (MANE Select); coding-DNA position 3335, T replaced by C.
Protein change: p.Phe1112Ser; replaces phenylalanine 1112 with serine.
Molecular consequence: missense variant.
Genome position (GRCh38, 1-based): chr2:165,127,689, A>G on the plus strand (T>C on the coding strand, the complement: SCN3A is on the minus strand). VCF-style: chr2-165127689-A-G. GRCh37 (hg19) VCF-style: chr2-165984199-A-G.
Other names: c.3188T>C, p.Phe1063Ser (NM_001081676.2, NM_001081677.2); short protein forms F1063S, F1112S.
Identifiers: ClinVar variation 842279 (VCV000842279.9), dbSNP rs1687073128, ClinGen allele CA349040159.

ClinVar aggregate classification (germline): Uncertain significance (1 of 4 stars; one submission).

Submission:

Labcorp Genetics (formerly Invitae), Labcorp
Classification: Uncertain significance. Last evaluated: 2019-03-22. Review status: criteria provided, single submitter. Criteria: Invitae Variant Classification Sherloc (09022015). Collection method: clinical testing. Allele origin: germline.
Comment: Algorithms developed to predict the effect of missense changes on protein structure and function are either unavailable or do not agree on the potential impact of this missense change (SIFT: "Deleterious"; PolyPhen-2: "Benign"; Align-GVGD: "Class C0"). In summary, the available evidence is currently insufficient to determine the role of this variant in disease. Therefore, it has been classified as a Variant of Uncertain Significance. This variant has not been reported in the literature in individuals with SCN3A-related conditions. This variant is not present in population databases (ExAC no frequency). This sequence change replaces phenylalanine with serine at codon 1112 of the SCN3A protein (p.Phe1112Ser). The phenylalanine residue is highly conserved and there is a large physicochemical difference between phenylalanine and serine.